The following is an entry in ClinVar:

ClinVar aggregate classification (germline): Pathogenic. Review status: reviewed by expert panel (3 of 4 stars). 12 submissions from 12 submitters: Pathogenic (1). 11 of the submissions do not count toward it. Last evaluated 2024-11-26.

Conditions:
ATM-related cancer predisposition. Also called: ATM-related cancer susceptibility. Identifiers: MedGen CN377759, MONDO:0700270.
Hereditary cancer-predisposing syndrome. Also called: Hereditary Cancer Syndrome; Neoplastic Syndromes, Hereditary; Tumor predisposition; Hereditary neoplastic syndrome. Identifiers: Orphanet 140162, MedGen C0027672, MeSH D009386, MONDO:0015356.
Familial cancer of breast. Also called: BREAST CANCER, FAMILIAL; hereditary breast carcinoma; Hereditary breast cancer. Identifiers: Orphanet 227535, MedGen C0346153, MONDO:0016419, OMIM 114480. Disease mechanism: loss of function.
Ataxia-telangiectasia syndrome (AT). Also called: ATAXIA-TELANGIECTASIA, COMPLEMENTATION GROUP A; ATAXIA-TELANGIECTASIA, FRESNO VARIANT; Ataxia-telangiectasia; LOUIS-BAR SYNDROME; Ataxia telangiectasia (A-T); Ataxia-telangiectasia, complementation group D. Identifiers: Orphanet 100, MedGen C0004135, MONDO:0008840, OMIM 208900.

Allele frequency attached by ClinVar (database versions not stated): gnomAD exomes 0.00001; TOPMed 0.00001.
gnomAD v4.1: 14 of 1,613,854 alleles (0.00087%); highest among the groups gnomAD compares: Non-Finnish European, 0.0012%; no homozygotes.

Submissions (12):

ClinGen Hereditary Breast, Ovarian and Pancreatic Cancer Variant Curation Expert Panel, ClinGen
Classification: Pathogenic for ATM-related cancer predisposition. Last evaluated: 2024-11-26. Review status: reviewed by expert panel. Criteria: ClinGen HBOP ACMG Specifications ATM V1.3.0. Collection method: curation. Allele origin: germline. Inheritance: Autosomal dominant inheritance.
Comment: The c.5515C>T (p.Gln1839*) variant in ATM is a nonsense variant predicted to cause a premature stop codon in a biologically-relevant-exon leading to nonsense mediated decay in a gene in which loss-of-function is an established disease mechanism. This alteration results in a termination codon upstream of the most C-terminal pathogenic alteration (ATM p.Arg3047*), as classified by the HBOP VCEP, and is expected to be more deleterious. This variant has been detected in at least 4 individuals with Ataxia-Telangiectasia (PMID: 9792409, 10873394, 22649200, 26896183). This variant is absent from gnomAD v2.1.1. In summary, this variant meets criteria to be classified as pathogenic for autosomal dominant ATM-related cancer predisposition and autosomal recessive Ataxia-Telangiectasia based on the ACMG/AMP criteria applied, as specified by the HBOP VCEP. (PVS1, PM5_Supporting, PM3_Very Strong, PM2_Supporting)

Labcorp Genetics (formerly Invitae), Labcorp
Classification: Pathogenic for Ataxia-telangiectasia syndrome. Last evaluated: 2026-01-20. Review status: criteria provided, single submitter. Criteria: Invitae Variant Classification Sherloc (09022015). Collection method: clinical testing. Allele origin: germline. Not counted in ClinVar's aggregate classification.
Comment: This sequence change creates a premature translational stop signal (p.Gln1839*) in the ATM gene. It is expected to result in an absent or disrupted protein product. Loss-of-function variants in ATM are known to be pathogenic (PMID: 23807571, 25614872). This variant is not present in population databases (gnomAD no frequency). This premature translational stop signal has been observed in individuals with ataxia telangiectasia (PMID: 9792409, 10873394, 15928302, 22213089, 22649200). ClinVar contains an entry for this variant (Variation ID: 189177). Studies have shown that this premature translational stop signal is associated with inconclusive levels of altered splicing (internal data). For these reasons, this variant has been classified as Pathogenic.

Ambry Genetics
Classification: Pathogenic for Hereditary cancer-predisposing syndrome. Last evaluated: 2025-11-11. Review status: criteria provided, single submitter. Criteria: Ambry Variant Classification Scheme 2023. Collection method: clinical testing. Allele origin: germline. Not counted in ClinVar's aggregate classification.
Comment: The p.Q1839* pathogenic mutation (also known as c.5515C>T), located in coding exon 36 of the ATM gene, results from a C to T substitution at nucleotide position 5515. This changes the amino acid from a glutamine to a stop codon within coding exon 36. This alteration has also been reported in 1/13087 breast cancer cases and 0/5488 control individuals in the UK (Decker B et al. J. Med. Genet. 2017 Nov;54:732-741). This variant is considered to be rare based on population cohorts in the Genome Aggregation Database (gnomAD). In addition to the clinical data presented in the literature, this alteration is expected to result in loss of function by premature protein truncation or nonsense-mediated mRNA decay. As such, this alteration is interpreted as a disease-causing mutation.

Dasa
Classification: Pathogenic for ATM-related cancer predisposition. Last evaluated: 2024-09-12. Review status: criteria provided, single submitter. Criteria: DASA Assertion Criteria. Collection method: clinical testing. Allele origin: germline. Not counted in ClinVar's aggregate classification.
Comment: NM_000051.4(ATM):c.5515C>T (p.Gln1839*) introduces a premature termination codon predicted to result in loss of normal protein function. Loss-of-function is an established mechanism of disease for this gene. The variant is present at low frequency in population datasets. Based on the available data, this variant is classified as pathogenic.

Myriad Genetics, Inc.
Classification: Pathogenic for Familial cancer of breast. Last evaluated: 2024-01-25. Review status: criteria provided, single submitter. Criteria: Myriad Autosomal Dominant, Autosomal Recessive and X-Linked Classification Criteria (2023). Collection method: clinical testing. Allele origin: unknown. Not counted in ClinVar's aggregate classification.
Comment: This variant is considered pathogenic. This variant creates a termination codon and is predicted to result in premature protein truncation.

Color Diagnostics, LLC DBA Color Health
Classification: Pathogenic for Hereditary cancer-predisposing syndrome. Last evaluated: 2023-05-23. Review status: criteria provided, single submitter. Criteria: ACMG Guidelines, 2015. Collection method: clinical testing. Allele origin: germline. Not counted in ClinVar's aggregate classification.
Comment: This variant changes 1 nucleotide in exon 37 of the ATM gene, creating a premature translation stop signal. This variant is expected to result in an absent or non-functional protein product. This variant has been reported in multiple individuals affected with ataxia-telangiectasia (PMID: 9792409, 10873394, 15928302, 22213089, 22649200). One family was reported to have two individuals carrying this variant who were affected with ataxia-telangiectasia (PMID: 22213089). Functional studies in cells derived from an individual affected with ataxia-telangiectasia (carrying this variant and ATM IVS16-1G>C) showed no protein expression and no kinase activity (PMID: 22649200). This variant has been detected in several individuals affected with breast cancer (PMID: 28779002, 35365198). This variant has not been identified in the general population by the Genome Aggregation Database (gnomAD). Loss of ATM function is a known mechanism of disease. Based on the available evidence, this variant is classified as Pathogenic.

Baylor Genetics
Classification: Pathogenic for Familial cancer of breast. Last evaluated: 2023-02-13. Review status: criteria provided, single submitter. Criteria: ACMG Guidelines, 2015. Collection method: clinical testing. Allele origin: unknown. Not counted in ClinVar's aggregate classification.

Centre for Mendelian Genomics, University Medical Centre Ljubljana
Classification: Pathogenic for Familial cancer of breast. Last evaluated: 2022-12-09. Review status: criteria provided, single submitter. Criteria: ACMG Guidelines, 2015. Collection method: research. Allele origin: germline. Affected: no. Not counted in ClinVar's aggregate classification.
Comment: PVS1, PM2_SUP, PM3_SUP

Department of Molecular Diagnostics, Institute of Oncology Ljubljana
Classification: Pathogenic for Familial cancer of breast. Last evaluated: 2020-04-02. Review status: criteria provided, single submitter. Criteria: ACMG Guidelines, 2015. Collection method: clinical testing. Allele origin: germline. Affected: yes. Not counted in ClinVar's aggregate classification.

Counsyl
Classification: Likely pathogenic for Ataxia-telangiectasia syndrome. Last evaluated: 2015-02-13. Review status: no assertion criteria provided. Collection method: literature only. Allele origin: unknown. Inheritance: Autosomal recessive inheritance. Not counted in ClinVar's aggregate classification.

Genome Diagnostics Laboratory, Amsterdam University Medical Center
Classification: Pathogenic. Review status: no assertion criteria provided. Collection method: clinical testing. Allele origin: germline. Affected: yes. Study: VKGL Data-share Consensus. Not counted in ClinVar's aggregate classification.

Joint Genome Diagnostic Labs from Nijmegen and Maastricht, Radboudumc and MUMC+
Classification: Pathogenic. Review status: no assertion criteria provided. Collection method: clinical testing. Allele origin: germline. Affected: yes. Study: VKGL Data-share Consensus. Not counted in ClinVar's aggregate classification.

Literature cited by the submitters: PubMed 23807571 (cited by Labcorp Genetics (formerly Invitae), Labcorp); PubMed 25614872 (cited by Labcorp Genetics (formerly Invitae), Labcorp); PubMed 9792409 (cited by 4 submitters); PubMed 10873394 (cited by 3 submitters); PubMed 15928302 (cited by 3 submitters); PubMed 22213089 (cited by 3 submitters); PubMed 22649200 (cited by 3 submitters); PubMed 28779002 (cited by Ambry Genetics and Color Diagnostics, LLC DBA Color Health); PubMed 35365198 (cited by Color Diagnostics, LLC DBA Color Health).

NM_000051.4(ATM):c.5515C>T (p.Gln1839Ter)

Gene: ATM (ATM serine/threonine kinase; plus strand). Cytogenetic location: 11q22.3.
Variant type: single nucleotide variant.
Coding change: c.5515C>T on transcript NM_000051.4 (MANE Select); coding-DNA position 5515, C replaced by T.
Protein change: p.Gln1839Ter; replaces glutamine 1839 with a stop codon.
Molecular consequence: nonsense.
Genome position (GRCh38, 1-based): chr11:108,304,693, C>T. VCF-style: chr11-108304693-C-T. GRCh37 (hg19) VCF-style: chr11-108175420-C-T.
Other names: NM_000051.4(ATM):c.5515C>T; p.Gln1839Ter; c.5515C>T, p.Gln1839Ter (NM_001351834.2); short protein forms Q1839*.
Identifiers: ClinVar variation 189177 (VCV000189177.25), dbSNP rs786204751, ClinGen allele CA274462.